The following is an entry in ClinVar:

NM_001164508.2(NEB):c.3713C>T (p.Thr1238Ile)

Gene: NEB (nebulin; minus strand). Cytogenetic location: 2q23.3.
Variant type: single nucleotide variant.
Coding change: c.3713C>T on transcript NM_001164508.2 (MANE Select); coding-DNA position 3713, C replaced by T.
Protein change: p.Thr1238Ile; replaces threonine 1238 with isoleucine.
Molecular consequence: missense variant.
Genome position (GRCh38, 1-based): chr2:151,677,626, G>A on the plus strand (C>T on the coding strand, the complement: NEB is on the minus strand). VCF-style: chr2-151677626-G-A. GRCh37 (hg19) VCF-style: chr2-152534140-G-A.
Other names: c.3713C>T, p.Thr1238Ile (NM_001164507.2, NM_001271208.2, NM_004543.5); short protein forms T1238I.
Identifiers: ClinVar variation 856768 (VCV000856768.10), dbSNP rs1311528896, ClinGen allele CA348818463.

ClinVar aggregate classification (germline): Uncertain significance. Review status: criteria provided, single submitter (1 of 4 stars). 2 submissions from 2 submitters: Uncertain significance (1). 1 of the submissions does not count toward it. Last evaluated 2022-03-18.

Conditions:
Nemaline myopathy 2 (NEM2). Also called: Nemaline myopathy 2, autosomal recessive. Identifiers: MedGen C1850569, MONDO:0009725, OMIM 256030.

gnomAD v4.1: 2 of 1,613,920 alleles (0.00012%); highest among the groups gnomAD compares: Non-Finnish European, 0.00017%; no homozygotes.

Submissions (2):

Labcorp Genetics (formerly Invitae), Labcorp
Classification: Uncertain significance for Nemaline myopathy 2. Last evaluated: 2022-03-18. Review status: criteria provided, single submitter. Criteria: Invitae Variant Classification Sherloc (09022015). Collection method: clinical testing. Allele origin: germline.
Comment: This sequence change replaces threonine, which is neutral and polar, with isoleucine, which is neutral and non-polar, at codon 1238 of the NEB protein (p.Thr1238Ile). This variant is not present in population databases (gnomAD no frequency). This variant has not been reported in the literature in individuals affected with NEB-related conditions. ClinVar contains an entry for this variant (Variation ID: 856768). Algorithms developed to predict the effect of missense changes on protein structure and function are either unavailable or do not agree on the potential impact of this missense change (SIFT: "Deleterious"; PolyPhen-2: "Not Available"; Align-GVGD: "Class C0"). In summary, the available evidence is currently insufficient to determine the role of this variant in disease. Therefore, it has been classified as a Variant of Uncertain Significance.

Natera, Inc.
Classification: Uncertain significance for Nemaline myopathy type 2. Last evaluated: 2020-02-26. Review status: no assertion criteria provided. Collection method: clinical testing. Allele origin: germline. Not counted in ClinVar's aggregate classification.